The following is an entry in ClinVar:

ClinVar aggregate classification (germline): Uncertain significance. Review status: criteria provided, multiple submitters, no conflicts (2 of 4 stars). 2 submissions from 2 submitters: Uncertain significance (2). Last evaluated 2023-06-14.

Conditions:
Erythrokeratodermia variabilis et progressiva 2 (EKVP2). Identifiers: MedGen C4479618, MONDO:0033012, OMIM 617524.

Allele frequency attached by ClinVar (database versions not stated): ESP Exome Variant Server 0.00008; gnomAD 0.00013; TOPMed 0.00019; ExAC 0.00021; 1000 Genomes Project 0.00060; 1000 Genomes Project 30x 0.00078.

Submissions (2):

Labcorp Genetics (formerly Invitae), Labcorp
Classification: Uncertain significance. Last evaluated: 2023-06-14. Review status: criteria provided, single submitter. Criteria: Invitae Variant Classification Sherloc (09022015). Collection method: clinical testing. Allele origin: germline.
Comment: This sequence change replaces arginine, which is basic and polar, with cysteine, which is neutral and slightly polar, at codon 32 of the GJB4 protein (p.Arg32Cys). Advanced modeling of protein sequence and biophysical properties (such as structural, functional, and spatial information, amino acid conservation, physicochemical variation, residue mobility, and thermodynamic stability) performed at Invitae indicates that this missense variant is expected to disrupt GJB4 protein function. In summary, the available evidence is currently insufficient to determine the role of this variant in disease. Therefore, it has been classified as a Variant of Uncertain Significance. This variant has not been reported in the literature in individuals affected with GJB4-related conditions. This variant is present in population databases (rs192813377, gnomAD 0.03%).

Department of Pathology and Laboratory Medicine, Sinai Health System
Classification: Uncertain significance for Erythrokeratodermia variabilis et progressiva 2. Last evaluated: 2023-01-11. Review status: criteria provided, single submitter. Criteria: ACMG Guidelines, 2015. Collection method: research. Allele origin: germline.

NM_153212.3(GJB4):c.94C>T (p.Arg32Cys)

Gene: GJB4 (gap junction protein beta 4; plus strand). Cytogenetic location: 1p34.3.
Variant type: single nucleotide variant.
Coding change: c.94C>T on transcript NM_153212.3 (MANE Select); coding-DNA position 94, C replaced by T.
Protein change: p.Arg32Cys; replaces arginine 32 with cysteine.
Molecular consequence: missense variant.
Genome position (GRCh38, 1-based): chr1:34,761,348, C>T. VCF-style: chr1-34761348-C-T. GRCh37 (hg19) VCF-style: chr1-35226949-C-T.
Other names: short protein forms R32C.
Identifiers: ClinVar variation 2886525 (VCV002886525.4), dbSNP rs192813377, ClinGen allele CA754468.
Genomic context (GRCh38, chr1:34,761,348, plus strand): 5'-GGCGTGAACAAGTACTCCACAGTGCTGAGCCGCATCTGGCTGTCTGTGGTGTTCATCTTT[C>T]GTGTGCTGGTGTACGTGGTGGCAGCGGAGGAGGTGTGGGACGATGAGCAGAAGGACTTTG-3'
Protein context (NP_694944.1, residues 22-42): RIWLSVVFIF[Arg32Cys]VLVYVVAAEE